The following is an entry in ClinVar:

NM_004991.4(MECOM):c.1418A>C (p.Asn473Thr)

Gene: MECOM (MDS1 and EVI1 complex locus; minus strand). Cytogenetic location: 3q26.2.
Variant type: single nucleotide variant.
Coding change: c.1418A>C on transcript NM_004991.4 (MANE Select); coding-DNA position 1418, A replaced by C.
Protein change: p.Asn473Thr; replaces asparagine 473 with threonine.
Molecular consequence: missense variant. On other transcripts: intron variant (2).
Genome position (GRCh38, 1-based): chr3:169,116,454, T>G on the plus strand (A>C on the coding strand, the complement: MECOM is on the minus strand). VCF-style: chr3-169116454-T-G. GRCh37 (hg19) VCF-style: chr3-168834242-T-G.
Other names: c.1049A>C, p.Asn350Thr (NM_001105077.4); c.854A>C, p.Asn285Thr (NM_001105078.4, NM_001164000.2, NM_001205194.2 and 4 more transcripts); c.857A>C, p.Asn286Thr (NM_001163999.2, NM_001366467.2, NM_001366468.2 and 1 more transcripts); c.1418A>C, p.Asn473Thr (NM_001366466.2); c.1133-687A>C (NM_001366473.2); c.569-687A>C (NM_001366474.2); short protein forms N473T, N285T, N286T, N350T.
Identifiers: ClinVar variation 4624648 (VCV004624648.1).

ClinVar aggregate classification (germline): Uncertain significance (1 of 4 stars; one submission).

Conditions:
Inborn genetic diseases. Identifiers: MedGen C0950123, MeSH D030342.

gnomAD v4.1: 1 of 1,614,078 alleles (0.000062%); highest among the groups gnomAD compares: Non-Finnish European, 0.000085%; no homozygotes.

Submission:

Ambry Genetics
Classification: Uncertain significance for Inborn genetic diseases. Last evaluated: 2025-10-15. Review status: criteria provided, single submitter. Criteria: Ambry Variant Classification Scheme 2023. Collection method: clinical testing. Allele origin: germline.
Comment: The p.N473T variant (also known as c.1418A>C), located in coding exon 8 of the MECOM gene, results from an A to C substitution at nucleotide position 1418. The asparagine at codon 473 is replaced by threonine, an amino acid with similar properties. This amino acid position is conserved. In addition, this alteration is predicted to be tolerated by in silico analysis. Based on the available evidence, the clinical significance of this variant remains unclear.